The following is an entry in ClinVar:

NM_001110556.2(FLNA):c.2019C>T (p.Asp673=)

Gene: FLNA (filamin A; minus strand). Cytogenetic location: Xq28.
Variant type: single nucleotide variant.
Coding change: c.2019C>T on transcript NM_001110556.2 (MANE Select); coding-DNA position 2019, C replaced by T.
Protein change: p.Asp673=; no amino-acid change (aspartic acid 673 retained).
Molecular consequence: synonymous variant.
Genome position (GRCh38, 1-based): chrX:154,364,529, G>A on the plus strand (C>T on the coding strand, the complement: FLNA is on the minus strand). VCF-style: chrX-154364529-G-A. GRCh37 (hg19) VCF-style: chrX-153592897-G-A.
Other names: c.2019C>T, p.Asp673= (NM_001456.4); c.2019C>T (NM_001110556.1).
Identifiers: ClinVar variation 516074 (VCV000516074.14), dbSNP rs1557178734, ClinGen allele CA519708878.

ClinVar aggregate classification (germline): Likely benign. Review status: criteria provided, multiple submitters, no conflicts (2 of 4 stars). 4 submissions from 4 submitters: Likely benign (3). 1 of the submissions does not count toward it. Last evaluated 2025-05-04.

Conditions:
FLNA-related disorder.
Melnick-Needles syndrome (MNS). Also called: MELNICK-NEEDLES OSTEODYSPLASTY; Melnick-Needles Syndrome (FLNA-MNS); OSTEODYSPLASTY OF MELNICK AND NEEDLES. Identifiers: Orphanet 2484, MedGen C0025237, MONDO:0010650, OMIM 309350.
Frontometaphyseal dysplasia (FMD1). Identifiers: Orphanet 1826, MedGen C0265293, MONDO:0015942.
Heterotopia, periventricular, X-linked dominant (PVNH1). Also called: PERIVENTRICULAR NODULAR HETEROTOPIA 4; HETEROTOPIA, PERIVENTRICULAR, 1; PERIVENTRICULAR NODULAR HETEROTOPIA 1; X-linked periventricular heterotopia. Identifiers: Orphanet 2149, Orphanet 82004, MedGen C1848213, MONDO:0010233, OMIM 300049.
Oto-palato-digital syndrome, type II (OPD2). Also called: Otopalatodigital Syndrome Type 2 (FLNA-OPD2); FACIOPALATOOSSEOUS SYNDROME; OPD II SYNDROME; Otopalatodigital Syndrome, Type II. Identifiers: Orphanet 669, Orphanet 90652, MedGen C1844696, MONDO:0010571, OMIM 304120.
Familial thoracic aortic aneurysm and aortic dissection (TAAD). Also called: Thoracic aortic aneurysms and dissections. Identifiers: Orphanet 91387, MedGen C4707243, MONDO:0019625.

gnomAD v4.1: 4 of 1,209,622 alleles (0.00033%); highest among the groups gnomAD compares: Non-Finnish European, 0.00045%; no homozygotes.

Submissions (4):

Labcorp Genetics (formerly Invitae), Labcorp
Classification: Likely benign for Oto-palato-digital syndrome, type II; Heterotopia, periventricular, X-linked dominant; Frontometaphyseal dysplasia; Melnick-Needles syndrome. Last evaluated: 2025-05-04. Review status: criteria provided, single submitter. Criteria: Invitae Variant Classification Sherloc (09022015). Collection method: clinical testing. Allele origin: germline.

Ambry Genetics
Classification: Likely benign for Familial thoracic aortic aneurysm and aortic dissection. Last evaluated: 2022-10-11. Review status: criteria provided, single submitter. Criteria: Ambry Variant Classification Scheme 2023. Collection method: clinical testing. Allele origin: germline.

GeneDx
Classification: Likely benign. Last evaluated: 2017-12-04. Review status: criteria provided, single submitter. Criteria: GeneDx Variant Classification (06012015). Collection method: clinical testing. Allele origin: germline. Affected: yes.
Comment: This variant is considered likely benign or benign based on one or more of the following criteria: it is a conservative change, it occurs at a poorly conserved position in the protein, it is predicted to be benign by multiple in silico algorithms, and/or has population frequency not consistent with disease.

PreventionGenetics, part of Exact Sciences
Classification: Likely benign for FLNA-related condition. Last evaluated: 2023-03-15. Review status: no assertion criteria provided. Collection method: clinical testing. Allele origin: germline. Not counted in ClinVar's aggregate classification.
Comment: This variant is classified as likely benign based on ACMG/AMP sequence variant interpretation guidelines (Richards et al. 2015 PMID: 25741868, with internal and published modifications).